The following is an entry in ClinVar:

NM_024426.6(WT1):c.609C>T (p.Asn203=)

Genes: WT1 (WT1 transcription factor; minus strand), LOC107982234 (WT1/WT1-AS bi-directional promoter region; plus strand). Cytogenetic location: 11p13.
Variant type: single nucleotide variant.
Coding change: c.609C>T on transcript NM_024426.6 (MANE Select); coding-DNA position 609, C replaced by T.
Protein change: p.Asn203=; no amino-acid change (asparagine 203 retained).
Molecular consequence: synonymous variant. On other transcripts: non-coding transcript variant (1).
Genome position (GRCh38, 1-based): chr11:32,434,752, G>A on the plus strand (C>T on the coding strand, the complement: WT1 is on the minus strand). VCF-style: chr11-32434752-G-A. GRCh37 (hg19) VCF-style: chr11-32456298-G-A.
Other names: p.Asn203=; c.609C>T, p.Asn203= (NM_000378.6, NM_024424.5).
Identifiers: ClinVar variation 261713 (VCV000261713.29), dbSNP rs2234583, ClinGen allele CA065105.

ClinVar aggregate classification (germline): Benign. Review status: criteria provided, multiple submitters, no conflicts (2 of 4 stars). 20 submissions from 14 submitters: Benign (19). 1 of the submissions does not count toward it. Last evaluated 2026-02-04.

Conditions:
Wilms tumor 1 (WT1). Also called: Wilms tumor, somatic. Identifiers: Orphanet 654, MedGen CN033288, MONDO:0008679, OMIM 194070.
Meacham syndrome. Also called: Meacham Winn Culler syndrome. Identifiers: Orphanet 3097, MedGen C1837026, MONDO:0012164, OMIM 608978.
Drash syndrome (DDS). Also called: NEPHROPATHY, WILMS TUMOR, AND GENITAL ANOMALIES; WILMS TUMOR AND PSEUDO- OR TRUE HERMAPHRODITISM. Identifiers: Orphanet 220, MedGen C0950121, MONDO:0008682, OMIM 194080.
Frasier syndrome. Identifiers: Orphanet 347, MedGen C0950122, MeSH D052159, MONDO:0007635, OMIM 136680.
WT1-related disorder. Also called: WT1-related disorders. Identifiers: MedGen CN377814.
11p partial monosomy syndrome (WAGR). Also called: CHROMOSOME 11p13 DELETION SYNDROME; WAGR Complex; WAGR syndrome; WAGR Spectrum Disorder. Identifiers: Orphanet 893, MedGen C0206115, MONDO:0008681, OMIM 194072.
Inborn genetic diseases. Identifiers: MedGen C0950123, MeSH D030342.
Nephrotic syndrome, type 4 (NPHS4). Also called: Familial mesangial sclerosis; Nephrotic syndrome, early onset with diffuse mesangial sclerosis. Identifiers: Orphanet 656, MedGen C3151568, MONDO:0009733, OMIM 256370.

Allele frequency attached by ClinVar (database versions not stated): gnomAD exomes 0.07550; ExAC 0.08062; 1000 Genomes Project 0.12121; 1000 Genomes Project 30x 0.12664; gnomAD 0.12793 and 0.13287; ESP Exome Variant Server 0.13379; TOPMed 0.13438.
gnomAD v4.1: 123,520 of 1,612,768 alleles (7.7%); highest among the groups gnomAD compares: African/African-American, 29%; 6,857 homozygotes.

Submissions (20):

Labcorp Genetics (formerly Invitae), Labcorp
Classification: Benign for Wilms tumor 1; Drash syndrome; 11p partial monosomy syndrome; Frasier syndrome. Last evaluated: 2026-02-04. Review status: criteria provided, single submitter. Criteria: Invitae Variant Classification Sherloc (09022015). Collection method: clinical testing. Allele origin: germline.

Blueprint Genetics
Classification: Benign. Last evaluated: 2024-11-27. Review status: criteria provided, single submitter. Criteria: ACMG Guidelines, 2015. Collection method: clinical testing. Allele origin: germline.

Ambry Genetics
Classification: Benign for Inborn genetic diseases. Last evaluated: 2024-10-28. Review status: criteria provided, single submitter. Criteria: Ambry Variant Classification Scheme 2023. Collection method: clinical testing. Allele origin: germline.

KCCC/NGS Laboratory, Kuwait Cancer Control Center
Classification: Benign for Wilms tumor 1. Last evaluated: 2023-07-07. Review status: criteria provided, single submitter. Criteria: ACMG Guidelines, 2015. Collection method: clinical testing. Allele origin: germline. Affected: yes.

Mayo Clinic Laboratories, Mayo Clinic
Classification: Benign. Last evaluated: 2022-03-09. Review status: criteria provided, single submitter. Criteria: ACMG Guidelines, 2015. Collection method: clinical testing. Allele origin: germline. Observed: 86 variant alleles.

Genome-Nilou Lab
Classification: Benign for Drash syndrome. Last evaluated: 2021-12-05. Review status: criteria provided, single submitter. Criteria: ACMG Guidelines, 2015. Collection method: clinical testing. Allele origin: germline. Affected: no.

Genome-Nilou Lab
Classification: Benign for Frasier syndrome. Last evaluated: 2021-12-05. Review status: criteria provided, single submitter. Criteria: ACMG Guidelines, 2015. Collection method: clinical testing. Allele origin: germline. Affected: no.

Genome-Nilou Lab
Classification: Benign for Meacham syndrome. Last evaluated: 2021-12-05. Review status: criteria provided, single submitter. Criteria: ACMG Guidelines, 2015. Collection method: clinical testing. Allele origin: germline. Affected: no.

Genome-Nilou Lab
Classification: Benign for Nephrotic syndrome, type 4. Last evaluated: 2021-12-05. Review status: criteria provided, single submitter. Criteria: ACMG Guidelines, 2015. Collection method: clinical testing. Allele origin: germline. Affected: no.

Genome-Nilou Lab
Classification: Benign for Wilms tumor 1. Last evaluated: 2021-12-05. Review status: criteria provided, single submitter. Criteria: ACMG Guidelines, 2015. Collection method: clinical testing. Allele origin: germline. Affected: no.

Athena Diagnostics
Classification: Benign. Last evaluated: 2021-03-16. Review status: criteria provided, single submitter. Criteria: Athena Diagnostics Criteria. Collection method: clinical testing. Allele origin: unknown.

Color Diagnostics, LLC DBA Color Health
Classification: Benign for Wilms tumor 1. Last evaluated: 2019-03-28. Review status: criteria provided, single submitter. Criteria: ACMG Guidelines, 2015. Collection method: clinical testing. Allele origin: germline.

Illumina Laboratory Services, Illumina
Classification: Benign for Nephrotic syndrome, type 4. Last evaluated: 2018-01-13. Review status: criteria provided, single submitter. Criteria: ICSL Variant Classification Criteria 13 December 2019. Collection method: clinical testing. Allele origin: germline.
Comment: This variant was observed in the ICSL laboratory as part of a predisposition screen in an ostensibly healthy population. It had not been previously curated by ICSL or reported in the Human Gene Mutation Database (HGMD: prior to June 1st, 2018), and was therefore a candidate for classification through an automated scoring system. Utilizing variant allele frequency, disease prevalence and penetrance estimates, and inheritance mode, an automated score was calculated to assess if this variant is too frequent to cause the disease. Based on the score and internal cut-off values, a variant classified as benign is not then subjected to further curation. The score for this variant resulted in a classification of benign for this disease.

Illumina Laboratory Services, Illumina
Classification: Benign for Wilms tumor 1. Last evaluated: 2018-01-13. Review status: criteria provided, single submitter. Criteria: ICSL Variant Classification Criteria 13 December 2019. Collection method: clinical testing. Allele origin: germline.
Comment: the same text as in the submission from Illumina Laboratory Services, Illumina above.

Illumina Laboratory Services, Illumina
Classification: Benign for Meacham syndrome. Last evaluated: 2018-01-13. Review status: criteria provided, single submitter. Criteria: ICSL Variant Classification Criteria 13 December 2019. Collection method: clinical testing. Allele origin: germline.
Comment: the same text as in the submission from Illumina Laboratory Services, Illumina above.

Women's Health and Genetics/Laboratory Corporation of America, LabCorp
Classification: Benign. Last evaluated: 2016-05-26. Review status: criteria provided, single submitter. Criteria: LabCorp Variant Classification Summary - May 2015. Collection method: clinical testing. Allele origin: germline.
Comment: Variant summary: The WT1 c.594C>T (p.Asn198Asn) variant involves the alteration of a non-conserved nucleotide, resulting in a synonymous change. One in silico tool predicts a polymorphism outcome for this variant along with 4/5 in silico splice prediction tools predicting the variant not to have an impact on splicing. This variant was found in 9132/113272 control chromosomes (598 homozygotes), predominantly observed in the African subpopulation (366 homozygotes) at a frequency of 0.2917204 (2713/9300). This frequency greatly exceeds the estimated maximal expected allele frequency of a pathogenic WT1 variant (0.0000094), suggesting this is likely a benign polymorphism found primarily in the populations of African origin. Taken together, this variant is classified as Benign.

Eurofins Ntd Llc (ga)
Classification: Benign. Last evaluated: 2016-05-24. Review status: criteria provided, single submitter. Criteria: EGL Classification Definitions 2015. Collection method: clinical testing. Allele origin: germline. Observed: 3 variant alleles, 3 heterozygotes.

GeneDx
Classification: Benign. Last evaluated: 2016-04-26. Review status: criteria provided, single submitter. Criteria: GeneDx Variant Classification (06012015). Collection method: clinical testing. Allele origin: germline. Affected: yes.
Comment: This variant is considered likely benign or benign based on one or more of the following criteria: it is a conservative change, it occurs at a poorly conserved position in the protein, it is predicted to be benign by multiple in silico algorithms, and/or has population frequency not consistent with disease.

Breakthrough Genomics
Classification: Benign. Review status: criteria provided, single submitter. Criteria: ACMG Guidelines, 2015. Collection method: not provided. Allele origin: germline. Inheritance: Autosomal dominant inheritance. Affected: yes.

PreventionGenetics, part of Exact Sciences
Classification: Benign for WT1-related condition. Last evaluated: 2022-06-02. Review status: no assertion criteria provided. Collection method: clinical testing. Allele origin: germline. Not counted in ClinVar's aggregate classification.
Comment: This variant is classified as benign based on ACMG/AMP sequence variant interpretation guidelines (Richards et al. 2015 PMID: 25741868, with internal and published modifications).